The following is an entry in ClinVar:

NM_001369.3(DNAH5):c.1250C>G (p.Thr417Ser)

Gene: DNAH5 (dynein axonemal heavy chain 5; minus strand). Cytogenetic location: 5p15.2.
Variant type: single nucleotide variant.
Coding change: c.1250C>G on transcript NM_001369.3 (MANE Select); coding-DNA position 1250, C replaced by G.
Protein change: p.Thr417Ser; replaces threonine 417 with serine.
Molecular consequence: missense variant.
Genome position (GRCh38, 1-based): chr5:13,914,590, G>C on the plus strand (C>G on the coding strand, the complement: DNAH5 is on the minus strand). VCF-style: chr5-13914590-G-C. GRCh37 (hg19) VCF-style: chr5-13914699-G-C.
Other names: short protein forms T417S.
Identifiers: ClinVar variation 454737 (VCV000454737.19), dbSNP rs149202369, ClinGen allele CA3204902.

ClinVar aggregate classification (germline): Conflicting classifications of pathogenicity. Review status: criteria provided, conflicting classifications (1 of 4 stars). 5 submissions from 5 submitters: Uncertain significance (1); Likely benign (3). 1 of the submissions does not count toward it. Last evaluated 2026-01-22.

Conditions:
Primary ciliary dyskinesia. Also called: Ciliary dyskinesia. Identifiers: Orphanet 244, MedGen C0008780, MONDO:0016575, HP:0012265.

Allele frequency attached by ClinVar (database versions not stated): ESP Exome Variant Server 0.00031; gnomAD 0.00042 and 0.00044; 1000 Genomes Project 30x 0.00062; TOPMed 0.00077; 1000 Genomes Project 0.00080.
gnomAD v4.1: 112 of 1,613,032 alleles (0.0069%); highest among the groups gnomAD compares: African/African-American, 0.097%; no homozygotes.

Submissions (5):

Labcorp Genetics (formerly Invitae), Labcorp
Classification: Likely benign for Primary ciliary dyskinesia. Last evaluated: 2026-01-22. Review status: criteria provided, single submitter. Criteria: Invitae Variant Classification Sherloc (09022015). Collection method: clinical testing. Allele origin: germline.

GeneDx
Classification: Uncertain significance. Last evaluated: 2024-10-15. Review status: criteria provided, single submitter. Criteria: GeneDx Variant Classification Process June 2021. Collection method: clinical testing. Allele origin: germline. Affected: yes.
Comment: Identified in the heterozygous state in individuals with PCD in published literature who had a different genetic etiology for the phenotype (PMID: 33670432, 35626283); In silico analysis indicates that this missense variant does not alter protein structure/function; This variant is associated with the following publications: (PMID: 35626283, 33670432)

Ambry Genetics
Classification: Likely benign for Primary ciliary dyskinesia. Last evaluated: 2023-09-14. Review status: criteria provided, single submitter. Criteria: Ambry Variant Classification Scheme 2023. Collection method: clinical testing. Allele origin: germline.

Breakthrough Genomics
Classification: Likely benign. Review status: criteria provided, single submitter. Criteria: ACMG Guidelines, 2015. Collection method: not provided. Allele origin: germline. Inheritance: Autosomal recessive inheritance. Affected: yes.

Natera, Inc.
Classification: Uncertain significance for Primary ciliary dyskinesia. Last evaluated: 2019-10-28. Review status: no assertion criteria provided. Collection method: clinical testing. Allele origin: germline. Not counted in ClinVar's aggregate classification.